The following is an entry in ClinVar:

NM_000038.6(APC):c.6724A>C (p.Ser2242Arg)

Gene: APC (APC regulator of Wnt signaling pathway; plus strand). Cytogenetic location: 5q22.2.
Variant type: single nucleotide variant.
Coding change: c.6724A>C on transcript NM_000038.6 (MANE Select); coding-DNA position 6724, A replaced by C.
Protein change: p.Ser2242Arg; replaces serine 2242 with arginine.
Molecular consequence: missense variant. On other transcripts: non-coding transcript variant (2).
Genome position (GRCh38, 1-based): chr5:112,842,318, A>C. VCF-style: chr5-112842318-A-C. GRCh37 (hg19) VCF-style: chr5-112178015-A-C.
Other names: c.6724A>C, p.Ser2242Arg (NM_001127510.3, NM_001354895.2, NM_001407450.1); c.6670A>C, p.Ser2224Arg (NM_001127511.3); c.6778A>C, p.Ser2260Arg (NM_001354896.2, NM_001407447.1, NM_001407448.1 and 1 more transcripts); c.6754A>C, p.Ser2252Arg (NM_001354897.2); c.6649A>C, p.Ser2217Arg (NM_001354898.2); c.6640A>C, p.Ser2214Arg (NM_001354899.2); c.6601A>C, p.Ser2201Arg (NM_001354900.2); c.6547A>C, p.Ser2183Arg (NM_001354901.2, NM_001407453.1); and 11 more; short protein forms S1858R, S1959R, S2082R, S2113R, S2116R, S2141R, S2151R, S2159R.
Identifiers: ClinVar variation 4757859 (VCV004757859.1).

ClinVar aggregate classification (germline): Uncertain significance (1 of 4 stars; one submission).

Conditions:
Hereditary cancer-predisposing syndrome. Also called: Tumor predisposition; Hereditary Cancer Syndrome; Neoplastic Syndromes, Hereditary; Hereditary neoplastic syndrome. Identifiers: Orphanet 140162, MedGen C0027672, MeSH D009386, MONDO:0015356.

Submission:

Color Diagnostics, LLC DBA Color Health
Classification: Uncertain significance for Hereditary cancer-predisposing syndrome. Last evaluated: 2025-08-30. Review status: criteria provided, single submitter. Criteria: ACMG Guidelines, 2015. Collection method: clinical testing. Allele origin: germline.
Comment: This missense variant replaces serine with arginine at codon 2242 of the APC protein. Computational prediction suggests that this variant may not impact protein structure and function. To our knowledge, functional studies have not been reported for this variant. This variant has not been reported in individuals affected with APC-related disorders in the literature. This variant has not been identified in the general population by the Genome Aggregation Database (gnomAD). The available evidence is insufficient to determine the role of this variant in disease conclusively. Therefore, this variant is classified as a Variant of Uncertain Significance.